The following continues an entry in ClinVar:

NM_000492.4(CFTR):c.3222T>A (p.Phe1074Leu)

ClinVar aggregate classification (germline): drug response. drug response (1).

Submissions 8 to 15 of 15:

Ambry Genetics
Classification: Likely pathogenic for Cystic fibrosis. Last evaluated: 2023-07-12. Review status: criteria provided, single submitter. Criteria: Ambry Variant Classification Scheme 2023. Collection method: clinical testing. Allele origin: germline. Not counted in ClinVar's aggregate classification.
Comment: The p.F1074L variant (also known as c.3222T>A), located in coding exon 20 of the CFTR gene, results from a T to A substitution at nucleotide position 3222. The phenylalanine at codon 1074 is replaced by leucine, an amino acid with highly similar properties. This variant was identified in four individuals in the Italian cystic fibrosis registry; however, full genotype and phenotype information was not provided (Salvatore D et al. Pediatr. Pulmonol., 2019 Feb;54:150-157). An in vitro study suggested that this alteration results in deficient CFTR protein maturation and chloride transport (Van Goor F et al. J. Cyst. Fibros., 2014 Jan;13:29-36). In some cases, this alteration has been reported to occur in cis with the 5T variant (Casals T et al. Hum. Genet., 1997 Dec;101:365-70; Casals T et al. Hum. Reprod., 2000 Jul;15:1476-83). The p.F1074L variant has been reported as a variant of varying clinical consequences (VVCC) (Sosnay PR et al. Pediatr. Clin. North Am., 2016 08;63:585-98; The Clinical and Functional TRanslation of CFTR (CFTR2); available at CFTR2. Accessed March 11, 2019). This variant is considered to be rare based on population cohorts in the Genome Aggregation Database (gnomAD). This amino acid position is highly conserved in available vertebrate species. In addition, this alteration is predicted to be deleterious by in silico analysis. Based on the majority of available evidence to date, this variant is likely to be pathogenic.

ARUP Laboratories, Molecular Genetics and Genomics, ARUP Laboratories
Classification: Uncertain significance. Last evaluated: 2023-02-07. Review status: criteria provided, single submitter. Criteria: ARUP Molecular Germline Variant Investigation Process 2024. Collection method: clinical testing. Allele origin: germline. Not counted in ClinVar's aggregate classification.
Comment: The CFTR c.3222T>A; p.Phe1074Leu variant (rs186045772) is reported in the literature in individuals affected with CFTR-related disorders (CFTR-RD), such as pancreatitis, congenital bilateral absence of the vas deferens, or other mild symptoms (Casals 1997, Casals 2000, Colombo 2007, Coste 2004, Keiles 2006, Ooi 2010, Padoan 2006, see links to CFTR databases). Some of these individuals carried a CF-causing variant on the opposite chromosome, and several individuals were reported to carry the mild 5T variant on the same chromosome. While this indicates that the p.Phe1074Leu variant can be part of a complex variant with 5T ([c.3222T>A;5T]), insufficient information was provided by some of the cited authors to determine whether this is always the case. The p.Phe1074Leu variant is reported in ClinVar (Variation ID: 53688), and it is only observed on one allele in the Genome Aggregation Database, indicating it is not a common polymorphism. Computational analyses predict that this variant is deleterious (REVEL: 0.804). Functional analyses of the variant protein show reduced expression and decreased chloride transport (Van Goor 2014). While available evidence suggests that the complex variant [c.3222T>A;5T] is likely pathogenic, the clinical significance of c.3222T>A; p.Phe1074Leu alone is uncertain at this time. References: Link to CFTR2 database: Link to cystic fibrosis mutation database: Casals T et al. High heterogeneity for cystic fibrosis in Spanish families: 75 mutations account for 90% of chromosomes. Hum Genet. 1997 Dec;101(3):365-70. PMID: 9439669. Casals T et al. Heterogeneity for mutations in the CFTR gene and clinical correlations in patients with congenital absence of the vas deferens. Hum Reprod. 2000 Jul;15(7):1476-83. PMID: 10875853. Colombo C et al. Is early identification of asymptomatic infants with 'mild' CFTR genotypes clinically useful? Acta Paediatr. 2007 Mar;96(3):477-9. PMID: 17407489. Coste A et al. Atypical sinusitis in adults must lead to looking for cystic fibrosis and primary ciliary dyskinesia. Laryngoscope. 2004 May;114(5):839-43. PMID: 15126740. Keiles S and Kammesheidt A. Identification of CFTR, PRSS1, and SPINK1 mutations in 381 patients with pancreatitis. Pancreas. 2006 Oct;33(3):221-7. PMID: 17003641. Ooi CY et al. Genetic testing in pancreatitis. Gastroenterology. 2010 Jun;138(7):2202-6, 2206.e1. PMID: 20416310. Padoan R et al. Identification of the 5T-12TG allele of the cystic fibrosis transmembrane conductance regulator gene in hypertrypsinaemic newborns. Acta Paediatr. 2006 Jul;95(7):871-3. PMID: 16801189. Van Goor F et al. Effect of ivacaftor on CFTR forms with missense mutations associated with defects in protein processing or function. J Cyst Fibros. 2014 Jan;13(1):29-36. PMID: 23891399.

Genome Diagnostics Laboratory, The Hospital for Sick Children
Classification: Pathogenic for Cystic fibrosis. Last evaluated: 2020-06-17. Review status: criteria provided, single submitter. Criteria: ACMG Guidelines, 2015. Collection method: clinical testing. Allele origin: germline. Not counted in ClinVar's aggregate classification.

Eurofins Ntd Llc (ga)
Classification: Likely pathogenic. Last evaluated: 2018-05-23. Review status: criteria provided, single submitter. Criteria: EGL ClinVar v180209 classification definitions. Collection method: clinical testing. Allele origin: germline. Observed: 1 variant allele, 1 heterozygote. Not counted in ClinVar's aggregate classification.

GeneDx
Classification: Pathogenic. Last evaluated: 2017-07-13. Review status: criteria provided, single submitter. Criteria: GeneDx Variant Classification (06012015). Collection method: clinical testing. Allele origin: germline. Affected: yes. Not counted in ClinVar's aggregate classification.
Comment: The F1074L pathogenic variant in the CFTR gene has been reported previously in cis with the 5T allele in siblings with a mild cystic fibrosis phenotype, but no other variant was found on the opposite CFTR allele (Casals et al., 1997). The F1074L variant has also been reported in cis with the 5T allele and phase unknown with the G551D variant in an individual with congenital bilateral absence of the vas deferens (Casals et al., 2000). Functional studies demonstrate that F1074L is associated with reduced chloride transport (Van Goor et al., 2014). The F1074L variant is not observed at a significant frequency in large population cohorts (Lek et al., 2016; 1000 Genomes Consortium et al., 2015; Exome Variant Server). The F1074L variant is a conservative amino acid substitution, which is not likely to impact secondary protein structure as these residues share similar properties. However, this substitution occurs at a position that is conserved across species. The F1074L variant is reported in the CFTR2 database as being associated with varying consequences. Missense variants in nearby residues (G1069R, R1070Q, R1070W, L1077P) have been reported in the Human Gene Mutation Database in association with cystic fibrosis (Stenson et al., 2014), supporting the functional importance of this region of the protein. We interpret F1074L as a pathogenic variant.

Baylor Genetics
Classification: Likely pathogenic for Congenital bilateral aplasia of vas deferens from CFTR mutation; Cystic fibrosis. Review status: criteria provided, single submitter. Criteria: ACMG Guidelines, 2015. Collection method: clinical testing. Allele origin: germline. Not counted in ClinVar's aggregate classification.

Genome Diagnostics Laboratory, The Hospital for Sick Children
Classification: Pathogenic for CFTR-related disorders. Last evaluated: 2020-06-17. Review status: no assertion criteria provided. Collection method: clinical testing. Allele origin: germline. Not counted in ClinVar's aggregate classification.

Counsyl
Classification: Likely pathogenic for Cystic fibrosis. Last evaluated: 2014-07-11. Review status: no assertion criteria provided. Collection method: literature only. Allele origin: unknown. Inheritance: Autosomal recessive inheritance. Not counted in ClinVar's aggregate classification.

Literature cited by the submitters: PubMed 23891399 (cited by 6 submitters); PubMed 10875853 (cited by 4 submitters); PubMed 16801189 (cited by 4 submitters); PubMed 17003641 (cited by 3 submitters); PubMed 17407489 (cited by Labcorp Genetics (formerly Invitae), Labcorp and Counsyl); PubMed 32150665 (cited by Labcorp Genetics (formerly Invitae), Labcorp and Women's Health and Genetics/Laboratory Corporation of America, LabCorp); PubMed 34814176 (cited by Labcorp Genetics (formerly Invitae), Labcorp and Women's Health and Genetics/Laboratory Corporation of America, LabCorp); PubMed 30888834 (cited by Natera, Inc. and Women's Health and Genetics/Laboratory Corporation of America, LabCorp); PubMed 17331079 (cited by Women's Health and Genetics/Laboratory Corporation of America, LabCorp and Counsyl); PubMed 9439669 (cited by 3 submitters); PubMed 8702904 (cited by Women's Health and Genetics/Laboratory Corporation of America, LabCorp and Counsyl); PubMed 23687349 (cited by Women's Health and Genetics/Laboratory Corporation of America, LabCorp); PubMed 24813944 (cited by Women's Health and Genetics/Laboratory Corporation of America, LabCorp); PubMed 15126740 (cited by Women's Health and Genetics/Laboratory Corporation of America, LabCorp and Counsyl); PubMed 23017188 (cited by Women's Health and Genetics/Laboratory Corporation of America, LabCorp and Counsyl); PubMed 26574590 (cited by Women's Health and Genetics/Laboratory Corporation of America, LabCorp); PubMed 20416310 (cited by Women's Health and Genetics/Laboratory Corporation of America, LabCorp and Counsyl); PubMed 28736296 (cited by Women's Health and Genetics/Laboratory Corporation of America, LabCorp); PubMed 25033378 (cited by Women's Health and Genetics/Laboratory Corporation of America, LabCorp); PubMed 30561903 (cited by Women's Health and Genetics/Laboratory Corporation of America, LabCorp and Ambry Genetics); PubMed 32934006 (cited by Women's Health and Genetics/Laboratory Corporation of America, LabCorp); PubMed 38388235 (cited by Women's Health and Genetics/Laboratory Corporation of America, LabCorp); PubMed 20976528 (cited by Counsyl).